The following is an entry in ClinVar:

NM_017617.5(NOTCH1):c.1267T>A (p.Cys423Ser)

Gene: NOTCH1 (notch receptor 1; minus strand). Cytogenetic location: 9q34.3.
Variant type: single nucleotide variant.
Coding change: c.1267T>A on transcript NM_017617.5 (MANE Select); coding-DNA position 1267, T replaced by A.
Protein change: p.Cys423Ser; replaces cysteine 423 with serine.
Molecular consequence: missense variant.
Genome position (GRCh38, 1-based): chr9:136,517,926, A>T on the plus strand (T>A on the coding strand, the complement: NOTCH1 is on the minus strand). VCF-style: chr9-136517926-A-T. GRCh37 (hg19) VCF-style: chr9-139412378-A-T.
Other names: short protein forms C423S.
Identifiers: ClinVar variation 1305192 (VCV001305192.2), dbSNP rs2133369041, ClinGen allele CA375563588.

ClinVar aggregate classification (germline): Uncertain significance (1 of 4 stars; one submission).

Submission:

GeneDx
Classification: Uncertain significance. Last evaluated: 2019-04-12. Review status: criteria provided, single submitter. Criteria: GeneDx Variant Classification Process June 2021. Collection method: clinical testing. Allele origin: germline. Affected: yes.
Comment: Has not been previously published as pathogenic or benign to our knowledge; Not observed in large population cohorts (Lek et al., 2016); In silico analysis, which includes protein predictors and evolutionary conservation, supports a deleterious effect